The following is an entry in ClinVar:

NM_015335.5(MED13L):c.2013-14_2013-10del

Gene: MED13L (mediator complex subunit 13L; minus strand). Cytogenetic location: 12q24.21.
Variant type: Deletion.
Coding change: c.2013-14_2013-10del on transcript NM_015335.5 (MANE Select); 14 bases into the intron before coding-DNA position 2013 through 10 bases into the intron before coding-DNA position 2013, 5 bases deleted (TTTTT; older notation c.2013-14_2013-10delTTTTT).
Molecular consequence: intron variant.
Genome position (GRCh38, 1-based): chr12:116,007,646-116,007,650, AAAAA deleted on the plus strand (TTTTT on the coding strand, the reverse complement: MED13L is on the minus strand); deleting any 5 consecutive bases within chr12:116,007,646-116,007,665 gives the same sequence; the c. name uses the placement nearest the transcript's 3' end. VCF-style (leftmost placement, unchanged base first): chr12-116007645-CAAAAA-C. GRCh37 (hg19) VCF-style: chr12-116445450-CAAAAA-C.
Identifiers: ClinVar variation 3034174 (VCV003034174.3), dbSNP rs542425590, ClinGen allele CA684017464.
Genomic context (GRCh38, chr12:116,007,645, plus strand): 5'-GGGCTGTTTGTCTTGCCAGATTTTAAACCGTTTGTTAGGTTGTGCTAAGAGTCTAAAAGA[CAAAAA>C]AAAAAAAAAAAAAAAGAGCATTTATGCCTTAAAGCATTTACAAAGTTTAAACTTTTTGTA-3'

ClinVar aggregate classification (germline): Likely benign. Review status: criteria provided, single submitter (1 of 4 stars). 2 submissions from 2 submitters: Likely benign (1). 1 of the submissions does not count toward it. Last evaluated 2024-10-10.

Conditions:
MED13L-related disorder. Also called: MED13L-related condition.

Submissions (2):

Blueprint Genetics
Classification: Likely benign. Last evaluated: 2024-10-10. Review status: criteria provided, single submitter. Criteria: ACMG Guidelines, 2015. Collection method: clinical testing. Allele origin: germline.

PreventionGenetics, part of Exact Sciences
Classification: Likely benign for MED13L-related condition. Last evaluated: 2019-12-03. Review status: no assertion criteria provided. Collection method: clinical testing. Allele origin: germline. Not counted in ClinVar's aggregate classification.
Comment: This variant is classified as likely benign based on ACMG/AMP sequence variant interpretation guidelines (Richards et al. 2015 PMID: 25741868, with internal and published modifications).